The following is an entry in ClinVar:

NM_021048.5(MAGEA10):c.20G>A (p.Arg7His)

Genes: MAGEA10 (MAGE family member A10; minus strand), LOC100533997 (MAGEA10-MAGEA5 readthrough; minus strand). Cytogenetic location: Xq28.
Variant type: single nucleotide variant.
Coding change: c.20G>A on transcript NM_021048.5 (MANE Select); coding-DNA position 20, G replaced by A.
Protein change: p.Arg7His; replaces arginine 7 with histidine.
Molecular consequence: missense variant. On other transcripts: intron variant (1).
Genome position (GRCh38, 1-based): chrX:152,135,601, C>T on the plus strand (G>A on the coding strand, the complement: MAGEA10 is on the minus strand). VCF-style: chrX-152135601-C-T. GRCh37 (hg19) VCF-style: chrX-151304073-C-T.
Other names: c.20G>A, p.Arg7His (NM_001011543.3, NM_001251828.2); c.-278+2874G>A (NM_001204811.3); short protein forms R7H.
Identifiers: ClinVar variation 2661666 (VCV002661666.24), dbSNP rs145553450, ClinGen allele CA10543007.

ClinVar aggregate classification (germline): Likely benign (1 of 4 stars; one submission).

Allele frequency attached by ClinVar (database versions not stated): ExAC 0.00009; ESP Exome Variant Server 0.00009; gnomAD 0.00012.
gnomAD v4.1: 89 of 1,135,595 alleles (0.0078%); highest among the groups gnomAD compares: Middle Eastern, 0.025%; no homozygotes.

Submission:

CeGaT Center for Human Genetics Tuebingen
Classification: Likely benign. Last evaluated: 2023-03-01. Review status: criteria provided, single submitter. Criteria: CeGaT Center For Human Genetics Tuebingen Variant Classification Criteria Version 2. Collection method: clinical testing. Allele origin: germline. Affected: yes. Observed: 1 variant allele.
Comment: MAGEA10: BP4, BS2